The following is an entry in ClinVar:

ClinVar aggregate classification (germline): Conflicting classifications of pathogenicity. Review status: criteria provided, conflicting classifications (1 of 4 stars). 3 submissions from 3 submitters: Uncertain significance (1); Likely benign (2). Last evaluated 2023-05-06.

Allele frequency attached by ClinVar (database versions not stated): ExAC 0.00001; gnomAD 0.00001; gnomAD exomes 0.00002; TOPMed 0.00002.
gnomAD v4.1: 40 of 1,613,474 alleles (0.0025%); highest among the groups gnomAD compares: East Asian, 0.0067%; no homozygotes.

Submissions (3):

Women's Health and Genetics/Laboratory Corporation of America, LabCorp
Classification: Likely benign. Last evaluated: 2023-05-06. Review status: criteria provided, single submitter. Criteria: LabCorp Variant Classification Summary - May 2015. Collection method: clinical testing. Allele origin: germline.

CeGaT Center for Human Genetics Tuebingen
Classification: Likely benign. Last evaluated: 2023-02-01. Review status: criteria provided, single submitter. Criteria: CeGaT Center For Human Genetics Tuebingen Variant Classification Criteria Version 2. Collection method: clinical testing. Allele origin: germline. Affected: yes. Observed: 1 variant allele.
Comment: TTN: BP4, BP7

Eurofins Ntd Llc (ga)
Classification: Uncertain significance. Last evaluated: 2015-09-01. Review status: criteria provided, single submitter. Criteria: EGL Classification Definitions 2015. Collection method: clinical testing. Allele origin: germline. Observed: 1 variant allele, 1 heterozygote.

NM_001267550.2(TTN):c.17280G>A (p.Thr5760=)

Genes: TTN (titin; minus strand), LOC126806431 (CDK7 strongly-dependent group 2 enhancer GRCh37_chr2:179595719-179596918; plus strand). Cytogenetic location: 2q31.2.
Variant type: single nucleotide variant.
Coding change: c.17280G>A on transcript NM_001267550.2 (MANE Select); coding-DNA position 17280, G replaced by A.
Protein change: p.Thr5760=; no amino-acid change (threonine 5760 retained).
Molecular consequence: synonymous variant. On other transcripts: intron variant (3).
Genome position (GRCh38, 1-based): chr2:178,731,486, C>T on the plus strand (G>A on the coding strand, the complement: TTN is on the minus strand). VCF-style: chr2-178731486-C-T. GRCh37 (hg19) VCF-style: chr2-179596213-C-T.
Other names: c.16329G>A, p.Thr5443= (NM_001256850.1); c.13548G>A, p.Thr4516= (NM_133378.4); c.13282+6596G>A (NM_003319.4); c.13858+6596G>A (NM_133437.4); c.13657+6596G>A (NM_133432.3).
Identifiers: ClinVar variation 283052 (VCV000283052.30), dbSNP rs748617936, ClinGen allele CA2001865.
Genomic context (GRCh38, chr2:178,731,486, plus strand): 5'-AAAGGTCATTCTTATATTATCGTCTTCAGTGATTTCATCGCTGTCTTTTAGCCAAGTCAC[C>T]GTAATTGGCAAGGAGCCCTTCAGAGTGGCCTGGAAGGCAGCTGTGCCTCCCCGGAGGGAG-3'
Protein context (NP_001254479.2, residues 5750-5770): QATLKGSLPI[Thr5760=]VTWLKDSDEI